The following is an entry in ClinVar:

NM_145239.3(PRRT2):c.954C>T (p.Ile318=)

Genes: MVP-DT (MVP divergent transcript; minus strand), PRRT2 (proline rich transmembrane protein 2; plus strand). Cytogenetic location: 16p11.2.
Variant type: single nucleotide variant.
Coding change: c.954C>T on transcript NM_145239.3 (MANE Select); coding-DNA position 954, C replaced by T.
Protein change: p.Ile318=; no amino-acid change (isoleucine 318 retained).
Molecular consequence: synonymous variant. On other transcripts: 3 prime UTR variant (1).
Genome position (GRCh38, 1-based): chr16:29,814,407, C>T. VCF-style: chr16-29814407-C-T. GRCh37 (hg19) VCF-style: chr16-29825728-C-T.
Other names: c.954C>T, p.Ile318= (NM_001256442.2); c.*453C>T (NM_001256443.2).
Identifiers: ClinVar variation 3067521 (VCV003067521.21), dbSNP rs764016311, ClinGen allele CA7994627.
Genomic context (GRCh38, chr16:29,814,407, plus strand): 5'-GCAGCAGGGGGACGTGGACGGGGCCCAGCGTCTGGGCCGGGTAGCCAAGCTCTTAAGCAT[C>T]GTGGCGCTGGTGGGGGGAGTCCTCATCATCATCGCCTCCTGCGTCATCAACTTAGGCGGT-3'
Protein context (NP_660282.2, residues 308-328): RLGRVAKLLS[Ile318=]VALVGGVLII

ClinVar aggregate classification (germline): Likely benign (1 of 4 stars; one submission).

Allele frequency attached by ClinVar (database versions not stated): TOPMed below 0.00001; gnomAD 0.00002; gnomAD exomes 0.00002; ExAC 0.00003.

Submission:

CeGaT Center for Human Genetics Tuebingen
Classification: Likely benign. Last evaluated: 2024-03-01. Review status: criteria provided, single submitter. Criteria: CeGaT Center For Human Genetics Tuebingen Variant Classification Criteria Version 2. Collection method: clinical testing. Allele origin: germline. Affected: yes. Observed: 1 variant allele.
Comment: PRRT2: BP4, BP7